The following is an entry in ClinVar:

NM_000388.4(CASR):c.752A>G (p.Glu251Gly)

Gene: CASR (calcium sensing receptor; plus strand). Cytogenetic location: 3q21.1.
Variant type: single nucleotide variant.
Coding change: c.752A>G on transcript NM_000388.4 (MANE Select); coding-DNA position 752, A replaced by G.
Protein change: p.Glu251Gly; replaces glutamic acid 251 with glycine.
Molecular consequence: missense variant.
Genome position (GRCh38, 1-based): chr3:122,261,787, A>G. VCF-style: chr3-122261787-A-G. GRCh37 (hg19) VCF-style: chr3-121980634-A-G.
Other names: c.752A>G, p.Glu251Gly (NM_001178065.2); short protein forms E251G.
Identifiers: ClinVar variation 532579 (VCV000532579.11), dbSNP rs140418347, ClinGen allele CA2569528.

ClinVar aggregate classification (germline): Uncertain significance. Review status: criteria provided, multiple submitters, no conflicts (2 of 4 stars). 2 submissions from 2 submitters: Uncertain significance (2). Last evaluated 2024-04-10.

Conditions:
Familial hypocalciuric hypercalcemia (FHH). Also called: Familial benign hypercalcemia. Identifiers: Orphanet 405, MedGen C1809471, MONDO:0018458.
Autosomal dominant hypocalcemia 1 (HYPOC1). Also called: HYPOCALCEMIA, FAMILIAL. Identifiers: MedGen C3715128, MONDO:0011013, OMIM 601198.
Nephrolithiasis/nephrocalcinosis. Identifiers: MedGen CN580796.

Allele frequency attached by ClinVar (database versions not stated): gnomAD exomes below 0.00001 and 0.00001; gnomAD 0.00001; ExAC 0.00002; TOPMed 0.00002; ESP Exome Variant Server 0.00008.
gnomAD v4.1: 3 of 1,614,152 alleles (0.00019%); highest among the groups gnomAD compares: African/African-American, 0.0027%; no homozygotes.

Submissions (2):

Labcorp Genetics (formerly Invitae), Labcorp
Classification: Uncertain significance for Familial hypocalciuric hypercalcemia; Autosomal dominant hypocalcemia 1. Last evaluated: 2024-04-10. Review status: criteria provided, single submitter. Criteria: Invitae Variant Classification Sherloc (09022015). Collection method: clinical testing. Allele origin: germline.
Comment: This sequence change replaces glutamic acid, which is acidic and polar, with glycine, which is neutral and non-polar, at codon 251 of the CASR protein (p.Glu251Gly). This variant is present in population databases (rs140418347, gnomAD 0.007%). This variant has not been reported in the literature in individuals affected with CASR-related conditions. ClinVar contains an entry for this variant (Variation ID: 532579). An algorithm developed to predict the effect of missense changes on protein structure and function (PolyPhen-2) suggests that this variant is likely to be tolerated. In summary, the available evidence is currently insufficient to determine the role of this variant in disease. Therefore, it has been classified as a Variant of Uncertain Significance.

Ambry Genetics
Classification: Uncertain significance for Nephrolithiasis/nephrocalcinosis. Last evaluated: 2022-12-22. Review status: criteria provided, single submitter. Criteria: Ambry Variant Classification Scheme 2023. Collection method: clinical testing. Allele origin: germline.
Comment: The p.E251G variant (also known as c.752A>G), located in coding exon 3 of the CASR gene, results from an A to G substitution at nucleotide position 752. The glutamic acid at codon 251 is replaced by glycine, an amino acid with similar properties. This amino acid position is well conserved in available vertebrate species. In addition, the in silico prediction for this alteration is inconclusive. Since supporting evidence is limited at this time, the clinical significance of this alteration remains unclear.